The following is an entry in ClinVar:

ClinVar aggregate classification (germline): Pathogenic (1 of 4 stars; one submission).

Conditions:
Mucopolysaccharidosis, MPS-II (MPS2). Also called: Hunter Syndrome; IDURONATE 2-SULFATASE DEFICIENCY; Mucopolysaccharidosis Type II; Mucopolysaccharidosis type 2; Attenuated MPS (subtype; formerly known as mild MPS II); Severe MPS II. Identifiers: Orphanet 580, Orphanet 79388, MedGen C0026705, MONDO:0010674, OMIM 309900.

Submission:

Laboratory of Diagnosis and Therapy of Lysosomal Disorders, University of Padova
Classification: Pathogenic for Mucopolysaccharidosis, MPS-II. Last evaluated: 2024-06-07. Review status: criteria provided, single submitter. Criteria: ACMG Guidelines, 2015. Collection method: literature only. Allele origin: germline. Affected: yes. Observed: 1 variant allele.
Comment: Null variant (PVS1_VeryStrong), Absent from controls (or at low frequency) in gnomAD database (PM2_Moderate), Patient’s phenotype or family history highly specific for the disease (PP4_Strong)

Classification method: ACMG Guidelines [PMID:25741868] with modifications

Literature cited by the submitters: PubMed 23800320.

NM_000202.8(IDS):c.457del (p.Trp153fs)

Genes: IDS (iduronate 2-sulfatase; minus strand), LOC106050102 (IDS recombination region; plus strand). Cytogenetic location: Xq28.
Variant type: Deletion.
Coding change: c.457del on transcript NM_000202.8 (MANE Select); coding-DNA position 457, one base deleted (T; older notation c.457delT).
Protein change: p.Trp153fs; shifts the reading frame from tryptophan 153.
Molecular consequence: frameshift variant. On other transcripts: non-coding transcript variant (1).
Genome position (GRCh38, 1-based): chrX:149,500,999, A deleted on the plus strand (T on the coding strand, the reverse complement: IDS is on the minus strand). VCF-style (leftmost placement, unchanged base first): chrX-149500998-CA-C. GRCh37 (hg19) VCF-style: chrX-148582529-CA-C.
Other names: c.187del, p.Trp63fs (NM_001166550.4); c.457del, p.Trp153fs (NM_006123.5); short protein forms W153fs, W63fs.
Identifiers: ClinVar variation 3255742 (VCV003255742.2).